The following is an entry in ClinVar:

NM_007294.4(BRCA1):c.3110A>T (p.Lys1037Ile)

Gene: BRCA1 (BRCA1 DNA repair associated; minus strand). Cytogenetic location: 17q21.31.
Variant type: single nucleotide variant.
Coding change: c.3110A>T on transcript NM_007294.4 (MANE Select); coding-DNA position 3110, A replaced by T.
Protein change: p.Lys1037Ile; replaces lysine 1037 with isoleucine.
Molecular consequence: missense variant. On other transcripts: intron variant (137).
Genome position (GRCh38, 1-based): chr17:43,092,421, T>A on the plus strand (A>T on the coding strand, the complement: BRCA1 is on the minus strand). VCF-style: chr17-43092421-T-A. GRCh37 (hg19) VCF-style: chr17-41244438-T-A.
Other names: c.2984A>T, p.Lys995Ile (NM_001407671.1, NM_001407672.1, NM_001407673.1 and 11 more transcripts); c.2987A>T, p.Lys996Ile (NM_001407674.1, NM_001407675.1, NM_001407676.1 and 19 more transcripts); c.2969A>T, p.Lys990Ile (NM_001407692.1, NM_001407694.1, NM_001407695.1 and 29 more transcripts); c.2966A>T, p.Lys989Ile (NM_001407740.1, NM_001407741.1, NM_001407742.1 and 20 more transcripts); c.2909A>T, p.Lys970Ile (NM_001407862.1); c.2906A>T, p.Lys969Ile (NM_001407874.1, NM_001407875.1); c.2900A>T, p.Lys967Ile (NM_001407879.1, NM_001407881.1, NM_001407882.1 and 13 more transcripts); c.2897A>T, p.Lys966Ile (NM_001407915.1, NM_001407916.1, NM_001407917.1 and 9 more transcripts); and 41 more; short protein forms K1010I, K1011I, K1034I, K1036I, K1037I, K741I, K869I, K909I.
Identifiers: ClinVar variation 3600337 (VCV003600337.1).

ClinVar aggregate classification (germline): Likely benign (1 of 4 stars; one submission).

Conditions:
Breast-ovarian cancer, familial, susceptibility to, 1 (BROVCA1). Also called: BRCA1 Hereditary Breast and Ovarian Cancer; OVARIAN CANCER, SUSCEPTIBILITY TO. Identifiers: Orphanet 145, MedGen C2676676, MONDO:0011450, OMIM 604370. Disease mechanism: loss of function.

Submission:

Department of Clinical Genetics, Copenhagen University Hospital, Rigshospitalet
Classification: Likely benign for Breast-ovarian cancer, familial, susceptibility to, 1. Last evaluated: 2025-01-10. Review status: criteria provided, single submitter. Criteria: ACMG Guidelines, 2015. Collection method: clinical testing. Allele origin: germline.
Comment: The following ACMG criteria was used: BP1_STR (SpliceAI ≤0.1); PM2_SUP